The following is an entry in ClinVar:

ClinVar aggregate classification (germline): Likely pathogenic (1 of 4 stars; one submission).

Conditions:
Familial cancer of breast. Also called: BREAST CANCER, FAMILIAL; Hereditary breast cancer; hereditary breast carcinoma. Identifiers: Orphanet 227535, MedGen C0346153, MONDO:0016419, OMIM 114480. Disease mechanism: loss of function.

Submission:

Myriad Genetics, Inc.
Classification: Likely pathogenic for Familial cancer of breast. Last evaluated: 2024-01-18. Review status: criteria provided, single submitter. Criteria: Myriad Autosomal Dominant, Autosomal Recessive and X-Linked Classification Criteria (2023). Collection method: clinical testing. Allele origin: unknown.
Comment: This variant is considered likely pathogenic. This variant occurs within a consensus splice junction and is predicted to result in abnormal mRNA splicing of either an out-of-frame exon or an in-frame exon necessary for protein stability and/or normal function.

NM_000051.4(ATM):c.3078-1G>T

Gene: ATM (ATM serine/threonine kinase; plus strand). Cytogenetic location: 11q22.3.
Variant type: single nucleotide variant.
Coding change: c.3078-1G>T on transcript NM_000051.4 (MANE Select); the canonical splice acceptor site of the intron before coding-DNA position 3078, G replaced by T.
Molecular consequence: splice acceptor variant.
Genome position (GRCh38, 1-based): chr11:108,272,531, G>T. VCF-style: chr11-108272531-G-T. GRCh37 (hg19) VCF-style: chr11-108143258-G-T.
Other names: c.3078-1G>T (NM_001351834.2).
Identifiers: ClinVar variation 3148313 (VCV003148313.1), dbSNP rs750663117, ClinGen allele CA382514973.